The following is an entry in ClinVar:

ClinVar aggregate classification (germline): Uncertain significance (1 of 4 stars; one submission).

Conditions:
Pitt-Hopkins-like syndrome 2 (PTHSL2). Identifiers: Orphanet 221150, Orphanet 600663, MedGen C3280479, MONDO:0013690, OMIM 614325.

Submission:

Labcorp Genetics (formerly Invitae), Labcorp
Classification: Uncertain significance for Pitt-Hopkins-like syndrome 2. Last evaluated: 2024-07-08. Review status: criteria provided, single submitter. Criteria: Invitae Variant Classification Sherloc (09022015). Collection method: clinical testing. Allele origin: germline.
Comment: This sequence change replaces alanine, which is neutral and non-polar, with glycine, which is neutral and non-polar, at codon 1531 of the NRXN1 protein (p.Ala1531Gly). This variant is not present in population databases (gnomAD no frequency). This variant has not been reported in the literature in individuals affected with NRXN1-related conditions. Advanced modeling of protein sequence and biophysical properties (such as structural, functional, and spatial information, amino acid conservation, physicochemical variation, residue mobility, and thermodynamic stability) performed at Invitae indicates that this missense variant is not expected to disrupt NRXN1 protein function with a negative predictive value of 80%. In summary, the available evidence is currently insufficient to determine the role of this variant in disease. Therefore, it has been classified as a Variant of Uncertain Significance.

NM_001330078.2(NRXN1):c.4472C>G (p.Ala1491Gly)

Gene: NRXN1 (neurexin 1; minus strand). Cytogenetic location: 2p16.3.
Variant type: single nucleotide variant.
Coding change: c.4472C>G on transcript NM_001330078.2 (MANE Select); coding-DNA position 4472, C replaced by G.
Protein change: p.Ala1491Gly; replaces alanine 1491 with glycine.
Molecular consequence: missense variant.
Genome position (GRCh38, 1-based): chr2:49,921,996, G>C on the plus strand (C>G on the coding strand, the complement: NRXN1 is on the minus strand). VCF-style: chr2-49921996-G-C. GRCh37 (hg19) VCF-style: chr2-50149134-G-C.
Other names: c.368C>G, p.Ala123Gly (NM_001320157.4); c.4448C>G, p.Ala1483Gly (NM_001330077.2); c.4439C>G, p.Ala1480Gly (NM_001330082.2); c.4307C>G, p.Ala1436Gly (NM_001330083.2); c.4406C>G, p.Ala1469Gly (NM_001330084.2); c.4445C>G, p.Ala1482Gly (NM_001330085.2); c.4463C>G, p.Ala1488Gly (NM_001330086.2); c.4271C>G, p.Ala1424Gly (NM_001330087.2); and 12 more; short protein forms A1424G, A1480G, A1488G, A1531G, A423G, A453G, A126G, A1444G.
Identifiers: ClinVar variation 3645866 (VCV003645866.2).